The following is an entry in ClinVar:

ClinVar aggregate classification (germline): Uncertain significance (1 of 4 stars; one submission).

Conditions:
Hereditary cancer-predisposing syndrome. Also called: Neoplastic Syndromes, Hereditary; Hereditary Cancer Syndrome; Tumor predisposition; Hereditary neoplastic syndrome. Identifiers: Orphanet 140162, MedGen C0027672, MeSH D009386, MONDO:0015356.

Allele frequency attached by ClinVar (database versions not stated): TOPMed below 0.00001.

Submission:

Labcorp Genetics (formerly Invitae), Labcorp
Classification: Uncertain significance for Hereditary cancer-predisposing syndrome. Last evaluated: 2023-07-03. Review status: criteria provided, single submitter. Criteria: Invitae Variant Classification Sherloc (09022015). Collection method: clinical testing. Allele origin: germline.
Comment: This sequence change replaces aspartic acid, which is acidic and polar, with glutamic acid, which is acidic and polar, at codon 161 of the RAD50 protein (p.Asp161Glu). This variant is not present in population databases (gnomAD no frequency). This variant has not been reported in the literature in individuals affected with RAD50-related conditions. ClinVar contains an entry for this variant (Variation ID: 1913711). Advanced modeling of protein sequence and biophysical properties (such as structural, functional, and spatial information, amino acid conservation, physicochemical variation, residue mobility, and thermodynamic stability) performed at Invitae indicates that this missense variant is not expected to disrupt RAD50 protein function. In summary, the available evidence is currently insufficient to determine the role of this variant in disease. Therefore, it has been classified as a Variant of Uncertain Significance.

NM_005732.4(RAD50):c.483T>A (p.Asp161Glu)

Gene: RAD50 (RAD50 double strand break repair protein; plus strand). Cytogenetic location: 5q31.1.
Variant type: single nucleotide variant.
Coding change: c.483T>A on transcript NM_005732.4 (MANE Select); coding-DNA position 483, T replaced by A.
Protein change: p.Asp161Glu; replaces aspartic acid 161 with glutamic acid.
Molecular consequence: missense variant.
Genome position (GRCh38, 1-based): chr5:132,579,434, T>A. VCF-style: chr5-132579434-T-A. GRCh37 (hg19) VCF-style: chr5-131915126-T-A.
Other names: short protein forms D161E.
Identifiers: ClinVar variation 1913711 (VCV001913711.5), dbSNP rs776465728, ClinGen allele CA360934513.
Genomic context (GRCh38, chr5:132,579,434, plus strand): 5'-CAGTTCTCTTGGGGTTTCCAAGGCTGTGCTAAATAATGTCATTTTCTGTCATCAAGAAGA[T>A]TCTAATTGGCCTTTAAGTGAAGGAAAGGCTTTGAAGCAAAAGTTTGATGAGATTTTTTCA-3'
Protein context (NP_005723.2, residues 151-171): LNNVIFCHQE[Asp161Glu]SNWPLSEGKA